The following is an entry in ClinVar:

ClinVar aggregate classification (germline): Benign (0 of 4 stars; one submission).

Conditions:
DHX34-related disorder. Also called: DHX34-related condition.

Allele frequency attached by ClinVar (database versions not stated): 1000 Genomes Project 30x 0.01280; 1000 Genomes Project 0.01318; TOPMed 0.01905; gnomAD 0.02027; ESP Exome Variant Server 0.02145; ExAC 0.02458.
gnomAD v4.1: 43,652 of 1,614,186 alleles (2.7%); highest among the groups gnomAD compares: Middle Eastern, 4.9%; 744 homozygotes.

Submission:

PreventionGenetics, part of Exact Sciences
Classification: Benign for DHX34-related condition. Last evaluated: 2019-11-13. Review status: no assertion criteria provided. Collection method: clinical testing. Allele origin: germline.
Comment: This variant is classified as benign based on ACMG/AMP sequence variant interpretation guidelines (Richards et al. 2015 PMID: 25741868, with internal and published modifications).

NM_014681.6(DHX34):c.899C>G (p.Pro300Arg)

Gene: DHX34 (DExH-box helicase 34; plus strand). Cytogenetic location: 19q13.32.
Variant type: single nucleotide variant.
Coding change: c.899C>G on transcript NM_014681.6 (MANE Select); coding-DNA position 899, C replaced by G.
Protein change: p.Pro300Arg; replaces proline 300 with arginine.
Molecular consequence: missense variant.
Genome position (GRCh38, 1-based): chr19:47,355,232, C>G. VCF-style: chr19-47355232-C-G. GRCh37 (hg19) VCF-style: chr19-47858489-C-G.
Other names: short protein forms P300R.
Identifiers: ClinVar variation 3056792 (VCV003056792.2), dbSNP rs34802163, ClinGen allele CA9537874.
Genomic context (GRCh38, chr19:47,355,232, plus strand): 5'-AAGTCCATGAGCGGCATCTCCACAACGATTTCCTCCTGGGCGTCCTCCAGCGCCTGTTGC[C>G]CACGCGGCCTGACCTCAAGGTCATCCTCATGTCGGCCACCATCAACATCTCGCTCTTCTC-3'
Protein context (NP_055496.2, residues 290-310): FLLGVLQRLL[Pro300Arg]TRPDLKVILM